The following is an entry in ClinVar:

NM_000214.3(JAG1):c.4C>G (p.Arg2Gly)

Gene: JAG1 (jagged canonical Notch ligand 1; minus strand). Cytogenetic location: 20p12.2.
Variant type: single nucleotide variant.
Coding change: c.4C>G on transcript NM_000214.3 (MANE Select); coding-DNA position 4, C replaced by G.
Protein change: p.Arg2Gly; replaces arginine 2 with glycine.
Molecular consequence: missense variant.
Genome position (GRCh38, 1-based): chr20:10,673,527, G>C on the plus strand (C>G on the coding strand, the complement: JAG1 is on the minus strand). VCF-style: chr20-10673527-G-C. GRCh37 (hg19) VCF-style: chr20-10654175-G-C.
Other names: short protein forms R2G.
Identifiers: ClinVar variation 1364108 (VCV001364108.6), dbSNP rs984916696, ClinGen allele CA311357589.
Genomic context (GRCh38, chr20:10,673,527, plus strand): 5'-AGAGCAGGGCGAGCAGGAGGCTTAGGGGGCGCCCGGACCGGCCGCGCGTCCGTGGGGAAC[G>C]CATCGCTGCGCCGCGCGCCGCGGGCACTCGGGACGCCGCCGCTGCTGTTCGCGCTGGTGC-3'
Protein context (NP_000205.1, residues 1-12): M[Arg2Gly]SPRTRGRSGR

ClinVar aggregate classification (germline): Uncertain significance (1 of 4 stars; one submission).

Conditions:
Alagille syndrome due to a JAG1 point mutation. Also called: HEPATIC DUCTULAR HYPOPLASIA, SYNDROMATIC; JAG1-Related Alagille Syndrome; Alagille Syndrome 1. Identifiers: Orphanet 261619, Orphanet 52, MedGen C1956125, MONDO:0016862, OMIM 118450.

Allele frequency attached by ClinVar (database versions not stated): gnomAD 0.00001; TOPMed 0.00002.
gnomAD v4.1: 2 of 1,243,126 alleles (0.00016%); highest among the groups gnomAD compares: African/African-American, 0.0031%; no homozygotes.

Submission:

Labcorp Genetics (formerly Invitae), Labcorp
Classification: Uncertain significance for Alagille syndrome due to a JAG1 point mutation. Last evaluated: 2022-07-06. Review status: criteria provided, single submitter. Criteria: Invitae Variant Classification Sherloc (09022015). Collection method: clinical testing. Allele origin: germline.
Comment: This sequence change replaces arginine, which is basic and polar, with glycine, which is neutral and non-polar, at codon 2 of the JAG1 protein (p.Arg2Gly). In summary, the available evidence is currently insufficient to determine the role of this variant in disease. Therefore, it has been classified as a Variant of Uncertain Significance. Advanced modeling of protein sequence and biophysical properties (such as structural, functional, and spatial information, amino acid conservation, physicochemical variation, residue mobility, and thermodynamic stability) performed at Invitae indicates that this missense variant is not expected to disrupt JAG1 protein function. This variant has not been reported in the literature in individuals affected with JAG1-related conditions. This variant is not present in population databases (gnomAD no frequency).